The following is an entry in ClinVar:

ClinVar aggregate classification (germline): Uncertain significance (1 of 4 stars; one submission).

Conditions:
Epileptic encephalopathy. Identifiers: MedGen C0543888, HP:0200134.

Submission:

Labcorp Genetics (formerly Invitae), Labcorp
Classification: Uncertain significance for Epileptic encephalopathy. Last evaluated: 2024-07-25. Review status: criteria provided, single submitter. Criteria: Invitae Variant Classification Sherloc (09022015). Collection method: clinical testing. Allele origin: germline.
Comment: This sequence change replaces isoleucine, which is neutral and non-polar, with threonine, which is neutral and polar, at codon 186 of the GABBR2 protein (p.Ile186Thr). This variant is not present in population databases (gnomAD no frequency). This variant has not been reported in the literature in individuals affected with GABBR2-related conditions. Advanced modeling of protein sequence and biophysical properties (such as structural, functional, and spatial information, amino acid conservation, physicochemical variation, residue mobility, and thermodynamic stability) performed at Invitae indicates that this missense variant is not expected to disrupt GABBR2 protein function with a negative predictive value of 80%. In summary, the available evidence is currently insufficient to determine the role of this variant in disease. Therefore, it has been classified as a Variant of Uncertain Significance.

NM_005458.8(GABBR2):c.557T>C (p.Ile186Thr)

Gene: GABBR2 (gamma-aminobutyric acid type B receptor subunit 2; minus strand). Cytogenetic location: 9q22.33.
Variant type: single nucleotide variant.
Coding change: c.557T>C on transcript NM_005458.8 (MANE Select); coding-DNA position 557, T replaced by C.
Protein change: p.Ile186Thr; replaces isoleucine 186 with threonine.
Molecular consequence: missense variant.
Genome position (GRCh38, 1-based): chr9:98,541,946, A>G on the plus strand (T>C on the coding strand, the complement: GABBR2 is on the minus strand). VCF-style: chr9-98541946-A-G. GRCh37 (hg19) VCF-style: chr9-101304228-A-G.
Other names: short protein forms I186T.
Identifiers: ClinVar variation 3703015 (VCV003703015.2).